The following is an entry in ClinVar:

ClinVar aggregate classification (germline): Uncertain significance (1 of 4 stars; one submission).

Conditions:
Cardiovascular phenotype. Identifiers: MedGen CN230736.

gnomAD v4.1: 1 of 1,613,572 alleles (0.000062%); highest among the groups gnomAD compares: Non-Finnish European, 0.000085%; no homozygotes.

Submission:

Ambry Genetics
Classification: Uncertain significance for Cardiovascular phenotype. Last evaluated: 2025-07-03. Review status: criteria provided, single submitter. Criteria: Ambry Variant Classification Scheme 2023. Collection method: clinical testing. Allele origin: germline.
Comment: The p.G1491D variant (also known as c.4472G>A), located in coding exon 34 of the RYR2 gene, results from a G to A substitution at nucleotide position 4472. The glycine at codon 1491 is replaced by aspartic acid, an amino acid with similar properties. This amino acid position is highly conserved in available vertebrate species. In addition, the in silico prediction for this alteration is inconclusive. Based on the available evidence, the clinical significance of this variant remains unclear.

NM_001035.3(RYR2):c.4472G>A (p.Gly1491Asp)

Gene: RYR2 (ryanodine receptor 2; plus strand). Cytogenetic location: 1q43.
Variant type: single nucleotide variant.
Coding change: c.4472G>A on transcript NM_001035.3 (MANE Select); coding-DNA position 4472, G replaced by A.
Protein change: p.Gly1491Asp; replaces glycine 1491 with aspartic acid.
Molecular consequence: missense variant.
Genome position (GRCh38, 1-based): chr1:237,595,533, G>A. VCF-style: chr1-237595533-G-A. GRCh37 (hg19) VCF-style: chr1-237758833-G-A.
Other names: short protein forms G1491D.
Identifiers: ClinVar variation 4158426 (VCV004158426.1).